The following is an entry in ClinVar:

ClinVar aggregate classification (germline): Uncertain significance (1 of 4 stars; one submission).

Conditions:
EGFR-related lung cancer (EGFR). Identifiers: MedGen CN130014.

Allele frequency attached by ClinVar (database versions not stated): gnomAD exomes below 0.00001; TOPMed below 0.00001; ExAC 0.00001; ESP Exome Variant Server 0.00008.
gnomAD v4.1: 1 of 1,614,192 alleles (0.000062%); highest among the groups gnomAD compares: Non-Finnish European, 0.000085%; no homozygotes.

Submission:

Labcorp Genetics (formerly Invitae), Labcorp
Classification: Uncertain significance for EGFR-related lung cancer. Last evaluated: 2024-04-25. Review status: criteria provided, single submitter. Criteria: Invitae Variant Classification Sherloc (09022015). Collection method: clinical testing. Allele origin: germline.
Comment: This sequence change falls in intron 9 of the EGFR gene. It does not directly change the encoded amino acid sequence of the EGFR protein. This variant is present in population databases (rs373332145, gnomAD 0.006%). This variant has not been reported in the literature in individuals affected with EGFR-related conditions. ClinVar contains an entry for this variant (Variation ID: 1444668). Algorithms developed to predict the effect of sequence changes on RNA splicing suggest that this variant may disrupt the consensus splice site. In summary, the available evidence is currently insufficient to determine the role of this variant in disease. Therefore, it has been classified as a Variant of Uncertain Significance.

NM_005228.5(EGFR):c.1134-6T>C

Genes: EGFR (epidermal growth factor receptor; plus strand), LOC126860048 (P300/CBP strongly-dependent group 1 enhancer GRCh37_chr7:55223847-55225046; plus strand). Cytogenetic location: 7p11.2.
Variant type: single nucleotide variant.
Coding change: c.1134-6T>C on transcript NM_005228.5 (MANE Select); 6 bases into the intron before coding-DNA position 1134, T replaced by C.
Molecular consequence: intron variant.
Genome position (GRCh38, 1-based): chr7:55,156,753, T>C. VCF-style: chr7-55156753-T-C. GRCh37 (hg19) VCF-style: chr7-55224446-T-C.
Other names: c.999-6T>C (NM_001346899.2, NM_001346897.2); c.333-6T>C (NM_001346941.2); c.1134-6T>C (NM_001346898.2, NM_201284.2, NM_201282.2 and 1 more transcripts); c.975-6T>C (NM_001346900.2).
Identifiers: ClinVar variation 1444668 (VCV001444668.7), dbSNP rs373332145, ClinGen allele CA4265497.